The following is an entry in ClinVar:

NM_002734.5(PRKAR1A):c.565G>C (p.Glu189Gln)

Gene: PRKAR1A (protein kinase cAMP-dependent type I regulatory subunit alpha; plus strand). Cytogenetic location: 17q24.2.
Variant type: single nucleotide variant.
Coding change: c.565G>C on transcript NM_002734.5 (MANE Select); coding-DNA position 565, G replaced by C.
Protein change: p.Glu189Gln; replaces glutamic acid 189 with glutamine.
Molecular consequence: missense variant.
Genome position (GRCh38, 1-based): chr17:68,525,769, G>C. VCF-style: chr17-68525769-G-C. GRCh37 (hg19) VCF-style: chr17-66521910-G-C.
Other names: c.565G>C, p.Glu189Gln (NM_001276289.2, NM_001276290.1, NM_001278433.2 and 4 more transcripts); short protein forms E189Q.
Identifiers: ClinVar variation 3621847 (VCV003621847.2).

ClinVar aggregate classification (germline): Uncertain significance (1 of 4 stars; one submission).

Conditions:
Carney complex, type 1 (CNC1). Also called: CARNEY COMPLEX, TYPE I; CARNEY MYXOMA-ENDOCRINE COMPLEX. Identifiers: Orphanet 1359, MedGen C2607929, MONDO:0008057, OMIM 160980.

Submission:

Labcorp Genetics (formerly Invitae), Labcorp
Classification: Uncertain significance for Carney complex, type 1. Last evaluated: 2024-08-01. Review status: criteria provided, single submitter. Criteria: Invitae Variant Classification Sherloc (09022015). Collection method: clinical testing. Allele origin: germline.
Comment: This sequence change replaces glutamic acid, which is acidic and polar, with glutamine, which is neutral and polar, at codon 189 of the PRKAR1A protein (p.Glu189Gln). This variant is not present in population databases (gnomAD no frequency). This variant has not been reported in the literature in individuals affected with PRKAR1A-related conditions. Advanced modeling of protein sequence and biophysical properties (such as structural, functional, and spatial information, amino acid conservation, physicochemical variation, residue mobility, and thermodynamic stability) performed at Invitae indicates that this missense variant is not expected to disrupt PRKAR1A protein function with a negative predictive value of 80%. In summary, the available evidence is currently insufficient to determine the role of this variant in disease. Therefore, it has been classified as a Variant of Uncertain Significance.